The following is an entry in ClinVar:

NM_000138.5(FBN1):c.5404A>C (p.Lys1802Gln)

Gene: FBN1 (fibrillin 1; minus strand). Cytogenetic location: 15q21.1.
Variant type: single nucleotide variant.
Coding change: c.5404A>C on transcript NM_000138.5 (MANE Select); coding-DNA position 5404, A replaced by C.
Protein change: p.Lys1802Gln; replaces lysine 1802 with glutamine.
Molecular consequence: missense variant.
Genome position (GRCh38, 1-based): chr15:48,456,655, T>G on the plus strand (A>C on the coding strand, the complement: FBN1 is on the minus strand). VCF-style: chr15-48456655-T-G. GRCh37 (hg19) VCF-style: chr15-48748852-T-G.
Other names: short protein forms K1802Q.
Identifiers: ClinVar variation 1302984 (VCV001302984.4), dbSNP rs2141260313, ClinGen allele CA392345860.

ClinVar aggregate classification (germline): Uncertain significance. Review status: criteria provided, multiple submitters, no conflicts (2 of 4 stars). 2 submissions from 2 submitters: Uncertain significance (2). Last evaluated 2024-06-12.

Conditions:
Marfan syndrome (MFS). Also called: Marfan syndrome type 1; Marfan's syndrome; FBN1-Related Marfan Syndrome; MARFAN SYNDROME, TYPE I; Marfan syndrome, classic. Identifiers: Orphanet 284963, Orphanet 558, MedGen C0024796, MONDO:0007947, OMIM 154700.
Familial thoracic aortic aneurysm and aortic dissection (TAAD). Also called: Thoracic aortic aneurysms and dissections. Identifiers: Orphanet 91387, MedGen C4707243, MONDO:0019625.

Submissions (2):

Labcorp Genetics (formerly Invitae), Labcorp
Classification: Uncertain significance for Marfan syndrome; Familial thoracic aortic aneurysm and aortic dissection. Last evaluated: 2024-06-12. Review status: criteria provided, single submitter. Criteria: Invitae Variant Classification Sherloc (09022015). Collection method: clinical testing. Allele origin: germline.
Comment: This sequence change replaces lysine, which is basic and polar, with glutamine, which is neutral and polar, at codon 1802 of the FBN1 protein (p.Lys1802Gln). This variant is not present in population databases (gnomAD no frequency). This variant has not been reported in the literature in individuals affected with FBN1-related conditions. ClinVar contains an entry for this variant (Variation ID: 1302984). Advanced modeling of protein sequence and biophysical properties (such as structural, functional, and spatial information, amino acid conservation, physicochemical variation, residue mobility, and thermodynamic stability) has been performed at Invitae for this missense variant, however the output from this modeling did not meet the statistical confidence thresholds required to predict the impact of this variant on FBN1 protein function. In summary, the available evidence is currently insufficient to determine the role of this variant in disease. Therefore, it has been classified as a Variant of Uncertain Significance.

GeneDx
Classification: Uncertain significance. Last evaluated: 2019-05-15. Review status: criteria provided, single submitter. Criteria: GeneDx Variant Classification Process June 2021. Collection method: clinical testing. Allele origin: germline. Affected: yes.
Comment: Not observed in large population cohorts (Lek et al., 2016); In silico analysis, which includes protein predictors and evolutionary conservation, supports that this variant does not alter protein structure/function; Has not been previously published as pathogenic or benign to our knowledge